The following is an entry in ClinVar:

ClinVar aggregate classification (germline): Uncertain significance (1 of 4 stars; one submission).

Conditions:
Early-infantile DEE. Also called: Ohtahara syndrome; Early infantile epileptic encephalopathy with suppression bursts; Early infantile epileptic encephalopathy. Identifiers: Orphanet 1934, MedGen C0393706, MONDO:0800491.

Allele frequency attached by ClinVar (database versions not stated): gnomAD 0.00001; TOPMed 0.00001.

Submission:

Labcorp Genetics (formerly Invitae), Labcorp
Classification: Uncertain significance for Early-infantile DEE. Last evaluated: 2022-09-13. Review status: criteria provided, single submitter. Criteria: Invitae Variant Classification Sherloc (09022015). Collection method: clinical testing. Allele origin: germline.
Comment: This variant has not been reported in the literature in individuals affected with KCNQ2-related conditions. This variant is not present in population databases (gnomAD no frequency). This variant, c.162_167dup, results in the insertion of 2 amino acid(s) of the KCNQ2 protein (p.Ser55_Lys56insAsnSer), but otherwise preserves the integrity of the reading frame. In summary, the available evidence is currently insufficient to determine the role of this variant in disease. Therefore, it has been classified as a Variant of Uncertain Significance. Experimental studies and prediction algorithms are not available or were not evaluated, and the functional significance of this variant is currently unknown.

NM_172107.4(KCNQ2):c.162_167dup (p.Ser55_Lys56insAsnSer)

Gene: KCNQ2 (potassium voltage-gated channel subfamily Q member 2; minus strand). Cytogenetic location: 20q13.33.
Variant type: Duplication.
Coding change: c.162_167dup on transcript NM_172107.4 (MANE Select); coding-DNA positions 162 to 167, 6 bases duplicated (CAGCAA; older notation c.162_167dupCAGCAA).
Protein change: p.Ser55_Lys56insAsnSer.
Molecular consequence: inframe insertion.
Genome position (GRCh38, 1-based): chr20:63,472,297-63,472,302, TTGCTG duplicated on the plus strand (CAGCAA on the coding strand, the reverse complement: KCNQ2 is on the minus strand). VCF-style (leftmost placement, unchanged base first): chr20-63472296-T-TTTGCTG. GRCh37 (hg19) VCF-style: chr20-62103649-T-TTTGCTG.
Other names: c.162_167dup, p.Ser55_Lys56insAsnSer (NM_001382235.1, NM_004518.6, NM_172106.3 and 2 more transcripts).
Identifiers: ClinVar variation 2088757 (VCV002088757.4), dbSNP rs947053739, ClinGen allele CA317423843.